The following is an entry in ClinVar:

NM_003086.4(SNAPC4):c.3972G>A (p.Leu1324=)

Gene: SNAPC4 (small nuclear RNA activating complex polypeptide 4; minus strand). Cytogenetic location: 9q34.3.
Variant type: single nucleotide variant.
Coding change: c.3972G>A on transcript NM_003086.4 (MANE Select); coding-DNA position 3972, G replaced by A.
Protein change: p.Leu1324=; no amino-acid change (leucine 1324 retained).
Molecular consequence: synonymous variant.
Genome position (GRCh38, 1-based): chr9:136,377,855, C>T on the plus strand (G>A on the coding strand, the complement: SNAPC4 is on the minus strand). VCF-style: chr9-136377855-C-T. GRCh37 (hg19) VCF-style: chr9-139272307-C-T.
Other names: c.3972G>A, p.Leu1324= (NM_001394201.1); c.3888G>A, p.Leu1296= (NM_001394202.1, NM_001394203.1).
Identifiers: ClinVar variation 4823441 (VCV004823441.4).

ClinVar aggregate classification (germline): Likely benign (1 of 4 stars; one submission).

gnomAD v4.1: 38 of 1,611,440 alleles (0.0024%); highest among the groups gnomAD compares: African/African-American, 0.021%; no homozygotes.

Submission:

CeGaT Center for Human Genetics Tuebingen
Classification: Likely benign. Last evaluated: 2026-03-01. Review status: criteria provided, single submitter. Criteria: CeGaT Center For Human Genetics Tuebingen Variant Classification Criteria Version 2. Collection method: clinical testing. Allele origin: germline. Affected: yes. Observed: 1 variant allele.
Comment: SNAPC4: BP4, BP7